The following is an entry in ClinVar:

ClinVar aggregate classification (germline): Uncertain significance (1 of 4 stars; one submission).

Conditions:
Ehlers-Danlos syndrome, musculocontractural type 2 (EDSMC2). Identifiers: Orphanet 2953, MedGen C3809845, MONDO:0014236, OMIM 615539.

Allele frequency attached by ClinVar (database versions not stated): gnomAD exomes below 0.00001.
gnomAD v4.1: 1 of 1,614,136 alleles (0.000062%); highest among the groups gnomAD compares: Non-Finnish European, 0.000085%; no homozygotes.

Submission:

Labcorp Genetics (formerly Invitae), Labcorp
Classification: Uncertain significance for Ehlers-Danlos syndrome, musculocontractural type 2. Last evaluated: 2022-02-11. Review status: criteria provided, single submitter. Criteria: Invitae Variant Classification Sherloc (09022015). Collection method: clinical testing. Allele origin: germline.
Comment: This sequence change replaces glycine, which is neutral and non-polar, with arginine, which is basic and polar, at codon 881 of the DSE protein (p.Gly881Arg). This variant is not present in population databases (gnomAD no frequency). This variant has not been reported in the literature in individuals affected with DSE-related conditions. Algorithms developed to predict the effect of missense changes on protein structure and function are either unavailable or do not agree on the potential impact of this missense change (SIFT: "Not Available"; PolyPhen-2: "Possibly Damaging"; Align-GVGD: "Not Available"). In summary, the available evidence is currently insufficient to determine the role of this variant in disease. Therefore, it has been classified as a Variant of Uncertain Significance.

NM_013352.4(DSE):c.2641G>A (p.Gly881Arg)

Gene: DSE (dermatan sulfate epimerase; plus strand). Cytogenetic location: 6q22.1.
Variant type: single nucleotide variant.
Coding change: c.2641G>A on transcript NM_013352.4 (MANE Select); coding-DNA position 2641, G replaced by A.
Protein change: p.Gly881Arg; replaces glycine 881 with arginine.
Molecular consequence: missense variant. On other transcripts: 3 prime UTR variant (2), non-coding transcript variant (1).
Genome position (GRCh38, 1-based): chr6:116,437,109, G>A. VCF-style: chr6-116437109-G-A. GRCh37 (hg19) VCF-style: chr6-116758272-G-A.
Other names: c.2641G>A, p.Gly881Arg (NM_001080976.3, NM_001322937.2, NM_001322938.2); c.2698G>A, p.Gly900Arg (NM_001322939.2); c.2080G>A, p.Gly694Arg (NM_001322940.2, NM_001322941.2); c.*1506G>A (NM_001322943.2, NM_001322944.2); c.1642G>A, p.Gly548Arg (NM_001374520.1); c.1606G>A, p.Gly536Arg (NM_001374521.1); short protein forms G536R, G694R, G881R, G548R, G900R.
Identifiers: ClinVar variation 1956329 (VCV001956329.5), dbSNP rs2482309725, ClinGen allele CA365408770.